The following is an entry in ClinVar:

NM_001256317.3(TMPRSS3):c.447-1G>A

Gene: TMPRSS3 (transmembrane serine protease 3; minus strand). Cytogenetic location: 21q22.3.
Variant type: single nucleotide variant.
Coding change: c.447-1G>A on transcript NM_001256317.3 (MANE Select); the canonical splice acceptor site of the intron before coding-DNA position 447, G replaced by A.
Molecular consequence: splice acceptor variant.
Genome position (GRCh38, 1-based): chr21:42,385,535, C>T on the plus strand (G>A on the coding strand, the complement: TMPRSS3 is on the minus strand). VCF-style: chr21-42385535-C-T. GRCh37 (hg19) VCF-style: chr21-43805644-C-T.
Other names: c.447-1G>A (NM_024022.4, NM_032405.2); c.66-1G>A (NM_032404.3).
Identifiers: ClinVar variation 2793602 (VCV002793602.3), dbSNP rs972047466, ClinGen allele CA410375268.
Genomic context (GRCh38, chr21:42,385,535, plus strand): 5'-AACTCCTCCCGGAACTGCCCCTCCAGCGAGCTCACTCTGAGGTTATCTGAACTCACATAG[C>T]TGCAAGCACATTGGAAAGACAGACCCGACGTGGTAACTTTACACTTTGAAGCATTCAACC-3'

ClinVar aggregate classification (germline): Likely pathogenic (1 of 4 stars; one submission).

gnomAD v4.1: 2 of 1,614,146 alleles (0.00012%); highest among the groups gnomAD compares: Non-Finnish European, 0.00017%; no homozygotes.

Submission:

Labcorp Genetics (formerly Invitae), Labcorp
Classification: Likely pathogenic. Last evaluated: 2023-03-27. Review status: criteria provided, single submitter. Criteria: Invitae Variant Classification Sherloc (09022015). Collection method: clinical testing. Allele origin: germline.
Comment: In summary, the currently available evidence indicates that the variant is pathogenic, but additional data are needed to prove that conclusively. Therefore, this variant has been classified as Likely Pathogenic. Algorithms developed to predict the effect of sequence changes on RNA splicing suggest that this variant may disrupt the consensus splice site. This variant has not been reported in the literature in individuals affected with TMPRSS3-related conditions. This variant is not present in population databases (gnomAD no frequency). This sequence change affects an acceptor splice site in intron 5 of the TMPRSS3 gene. It is expected to disrupt RNA splicing. Variants that disrupt the donor or acceptor splice site typically lead to a loss of protein function (PMID: 16199547), and loss-of-function variants in TMPRSS3 are known to be pathogenic (PMID: 16021470, 26969326).

Literature cited by the submitters: PubMed 16199547; PubMed 16021470; PubMed 26969326.